The following is an entry in ClinVar:

ClinVar aggregate classification (germline): Benign/Likely benign. Review status: criteria provided, multiple submitters, no conflicts (2 of 4 stars). 8 submissions from 8 submitters: Benign (1); Likely benign (7). Last evaluated 2025-09-28.

Conditions:
Lynch syndrome. Identifiers: Orphanet 144, MedGen C4552100, MONDO:0005835. Disease mechanism: loss of function.
Hereditary cancer-predisposing syndrome. Also called: Tumor predisposition; Neoplastic Syndromes, Hereditary; Hereditary neoplastic syndrome; Hereditary Cancer Syndrome. Identifiers: Orphanet 140162, MedGen C0027672, MeSH D009386, MONDO:0015356.
Lynch syndrome 5 (LYNCH5). Also called: Hereditary non-polyposis colorectal cancer, type 5; Colorectal cancer, hereditary nonpolyposis, type 5. Identifiers: Orphanet 144, MedGen C1833477, MONDO:0013710, OMIM 614350. Disease mechanism: loss of function.
Mismatch repair cancer syndrome 3. Identifiers: MedGen C5436807, MONDO:0030841, OMIM 619097.
Hereditary nonpolyposis colorectal neoplasms. Identifiers: MedGen C0009405, MeSH D003123.

Allele frequency attached by ClinVar (database versions not stated): gnomAD exomes below 0.00001; TOPMed 0.00001.
gnomAD v4.1: 4 of 1,613,348 alleles (0.00025%); highest among the groups gnomAD compares: Non-Finnish European, 0.00025%; no homozygotes.

Submissions (8):

Labcorp Genetics (formerly Invitae), Labcorp
Classification: Likely benign for Hereditary nonpolyposis colorectal neoplasms. Last evaluated: 2025-09-28. Review status: criteria provided, single submitter. Criteria: Invitae Variant Classification Sherloc (09022015). Collection method: clinical testing. Allele origin: germline.

Myriad Genetics, Inc.
Classification: Benign for Lynch syndrome 5. Last evaluated: 2024-12-31. Review status: criteria provided, single submitter. Criteria: Myriad Autosomal Dominant, Autosomal Recessive and X-Linked Classification Criteria (2023). Collection method: clinical testing. Allele origin: unknown.
Comment: This variant is considered benign. This variant is a silent/synonymous amino acid change and it is not expected to impact splicing.

All of Us Research Program, National Institutes of Health
Classification: Likely benign for Lynch syndrome. Last evaluated: 2024-02-22. Review status: criteria provided, single submitter. Criteria: ACMG Guidelines, 2015. Collection method: clinical testing. Allele origin: germline. Inheritance: Autosomal dominant inheritance. Observed: 1 variant allele, 1 heterozygote.
Comment: This study involves interpretation of variants in research participants for the purpose of population health screening. Participant phenotype was not available at the time of variant classification. Additional details can be found in publication PMID: 35346344, PMCID: PMC8962531

Color Diagnostics, LLC DBA Color Health
Classification: Likely benign for Hereditary cancer-predisposing syndrome. Last evaluated: 2024-01-30. Review status: criteria provided, single submitter. Criteria: ACMG Guidelines, 2015. Collection method: clinical testing. Allele origin: germline.

Department of Pathology and Laboratory Medicine, Sinai Health System
Classification: Likely benign for Mismatch repair cancer syndrome 3. Last evaluated: 2020-12-11. Review status: criteria provided, single submitter. Criteria: ACMG Guidelines, 2015. Collection method: clinical testing. Allele origin: germline. Affected: yes.

Blueprint Genetics
Classification: Likely benign. Last evaluated: 2019-03-26. Review status: criteria provided, single submitter. Criteria: ACMG Guidelines, 2015. Collection method: clinical testing. Allele origin: germline.

GeneDx
Classification: Likely benign. Last evaluated: 2015-12-17. Review status: criteria provided, single submitter. Criteria: GeneDx Variant Classification (06012015). Collection method: clinical testing. Allele origin: germline. Affected: yes.
Comment: This variant is considered likely benign or benign based on one or more of the following criteria: it is a conservative change, it occurs at a poorly conserved position in the protein, it is predicted to be benign by multiple in silico algorithms, and/or has population frequency not consistent with disease.

Ambry Genetics
Classification: Likely benign for Hereditary cancer-predisposing syndrome. Last evaluated: 2015-12-06. Review status: criteria provided, single submitter. Criteria: Ambry Variant Classification Scheme 2023. Collection method: clinical testing. Allele origin: germline.

NM_000179.3(MSH6):c.2494C>T (p.Leu832=)

Gene: MSH6 (mutS homolog 6; plus strand). Cytogenetic location: 2p16.3.
Variant type: single nucleotide variant.
Coding change: c.2494C>T on transcript NM_000179.3 (MANE Select); coding-DNA position 2494, C replaced by T.
Protein change: p.Leu832=; no amino-acid change (leucine 832 retained).
Molecular consequence: synonymous variant.
Genome position (GRCh38, 1-based): chr2:47,800,477, C>T. VCF-style: chr2-47800477-C-T. GRCh37 (hg19) VCF-style: chr2-48027616-C-T.
Other names: c.2104C>T, p.Leu702= (NM_001281492.2); c.1588C>T, p.Leu530= (NM_001281493.2, NM_001281494.2).
Identifiers: ClinVar variation 382328 (VCV000382328.16), dbSNP rs1057521330, ClinGen allele CA16604592.